The following is an entry in ClinVar:

NM_178822.5(IGSF10):c.6508A>C (p.Lys2170Gln)

Gene: IGSF10 (immunoglobulin superfamily member 10; minus strand). Cytogenetic location: 3q25.1.
Variant type: single nucleotide variant.
Coding change: c.6508A>C on transcript NM_178822.5 (MANE Select); coding-DNA position 6508, A replaced by C.
Protein change: p.Lys2170Gln; replaces lysine 2170 with glutamine.
Molecular consequence: missense variant.
Genome position (GRCh38, 1-based): chr3:151,438,053, T>G on the plus strand (A>C on the coding strand, the complement: IGSF10 is on the minus strand). VCF-style: chr3-151438053-T-G. GRCh37 (hg19) VCF-style: chr3-151155841-T-G.
Other names: c.445A>C, p.Lys149Gln (NM_001178145.3, NM_001178146.3); c.6508A>C, p.Lys2170Gln (NM_001385060.1, NM_001385061.1, NM_001385062.1 and 1 more transcripts); short protein forms K149Q, K2170Q.
Identifiers: ClinVar variation 4692868 (VCV004692868.1).
Genomic context (GRCh38, chr3:151,438,053, plus strand): 5'-ACCTATCAATGGAGAAGGAAATCATGTCATTGGAAGGCAGCAACCAAAATATTTTTGGTT[T>G]GGGATCCCCAGTGACCTCACAGTCAAGGACAGCTGTGTCTCCAGCTTTGATTCTCTTGTT-3'
Protein context (NP_849144.2, residues 2160-2180): VLDCEVTGDP[Lys2170Gln]PKIFWLLPSN

ClinVar aggregate classification (germline): Uncertain significance (1 of 4 stars; one submission).

gnomAD v4.1: 11 of 1,614,122 alleles (0.00068%); highest among the groups gnomAD compares: African/African-American, 0.0093%; no homozygotes.

Submission:

Labcorp Genetics (formerly Invitae), Labcorp
Classification: Uncertain significance. Last evaluated: 2025-07-03. Review status: criteria provided, single submitter. Criteria: Invitae Variant Classification Sherloc (09022015). Collection method: clinical testing. Allele origin: germline.
Comment: This sequence change replaces lysine, which is basic and polar, with glutamine, which is neutral and polar, at codon 2170 of the IGSF10 protein (p.Lys2170Gln). This variant is present in population databases (rs748059184, gnomAD 0.007%). This variant has not been reported in the literature in individuals affected with IGSF10-related conditions. An algorithm developed to predict the effect of missense changes on protein structure and function (PolyPhen-2) suggests that this variant is likely to be disruptive. In summary, the available evidence is currently insufficient to determine the role of this variant in disease. Therefore, it has been classified as a Variant of Uncertain Significance.